The following is an entry in ClinVar:

ClinVar aggregate classification (germline): Uncertain significance (1 of 4 stars; one submission).

Submission:

GeneDx
Classification: Uncertain significance. Last evaluated: 2022-01-27. Review status: criteria provided, single submitter. Criteria: GeneDx Variant Classification Process June 2021. Collection method: clinical testing. Allele origin: germline. Affected: yes.
Comment: Frameshift variant predicted to result in protein truncation as the last amino acid is replaced with 6 different amino acids, although loss-of-function variants have not been reported downstream of this position in the protein; Not observed at significant frequency in large population cohorts (gnomAD); Has not been previously published as pathogenic or benign to our knowledge

NM_014491.4(FOXP2):c.2143_*6del (p.Glu715_Ter716del)

Gene: FOXP2 (forkhead box P2; plus strand). Cytogenetic location: 7q31.1.
Variant type: Deletion.
Coding change: c.2143_*6del on transcript NM_014491.4 (MANE Select); coding-DNA position 2143 through 6 bases downstream of the stop codon, 12 bases deleted (GAATGAGAACTG).
Protein change: p.Glu715_Ter716del.
Molecular consequence: stop lost, inframe deletion. On other transcripts: non-coding transcript variant (2).
Genome position (GRCh38, 1-based): chr7:114,689,921-114,689,932, GAATGAGAACTG deleted; deleting any 12 consecutive bases within chr7:114,689,918-114,689,932 gives the same sequence; the c. name uses the placement nearest the transcript's 3' end. VCF-style (leftmost placement, unchanged base first): chr7-114689917-TCTGGAATGAGAA-T. GRCh37 (hg19) VCF-style: chr7-114329972-TCTGGAATGAGAA-T.
Other names: c.2140_*6del, p.Glu714_Ter715del (NM_001172766.3); c.2218_*6del, p.Glu740_Ter741del (NM_148898.4); c.2194_*6del, p.Glu732_Ter733del (NM_148900.4).
Identifiers: ClinVar variation 1699708 (VCV001699708.2), dbSNP rs1808570096, ClinGen allele CA1736032038.